The following is an entry in ClinVar:

NM_020821.3(VPS13C):c.8371G>A (p.Val2791Met)

Gene: VPS13C (vacuolar protein sorting 13 homolog C; minus strand). Cytogenetic location: 15q22.2.
Variant type: single nucleotide variant.
Coding change: c.8371G>A on transcript NM_020821.3 (MANE Select); coding-DNA position 8371, G replaced by A.
Protein change: p.Val2791Met; replaces valine 2791 with methionine.
Molecular consequence: missense variant.
Genome position (GRCh38, 1-based): chr15:61,915,707, C>T on the plus strand (G>A on the coding strand, the complement: VPS13C is on the minus strand). VCF-style: chr15-61915707-C-T. GRCh37 (hg19) VCF-style: chr15-62207906-C-T.
Other names: c.8371G>A, p.Val2791Met (NM_001018088.3); c.8242G>A, p.Val2748Met (NM_017684.5, NM_018080.4); short protein forms V2748M, V2791M.
Identifiers: ClinVar variation 3391736 (VCV003391736.1).

ClinVar aggregate classification (germline): Uncertain significance (1 of 4 stars; one submission).

gnomAD v4.1: 39 of 1,612,654 alleles (0.0024%); highest among the groups gnomAD compares: African/African-American, 0.048%; no homozygotes.

Submission:

GeneDx
Classification: Uncertain significance. Last evaluated: 2024-06-21. Review status: criteria provided, single submitter. Criteria: GeneDx Variant Classification Process June 2021. Collection method: clinical testing. Allele origin: germline. Affected: yes.
Comment: In silico analysis indicates that this missense variant does not alter protein structure/function; Has not been previously published as pathogenic or benign to our knowledge